The following is an entry in ClinVar:

NM_004285.4(H6PD):c.1603G>C (p.Gly535Arg)

Gene: H6PD (hexose-6-phosphate dehydrogenase/glucose 1-dehydrogenase; plus strand). Cytogenetic location: 1p36.22.
Variant type: single nucleotide variant.
Coding change: c.1603G>C on transcript NM_004285.4 (MANE Select); coding-DNA position 1603, G replaced by C.
Protein change: p.Gly535Arg; replaces glycine 535 with arginine.
Molecular consequence: missense variant.
Genome position (GRCh38, 1-based): chr1:9,264,096, G>C. VCF-style: chr1-9264096-G-C. GRCh37 (hg19) VCF-style: chr1-9324155-G-C.
Other names: c.1636G>C, p.Gly546Arg (NM_001282587.2); short protein forms G535R, G546R.
Identifiers: ClinVar variation 3729153 (VCV003729153.2).
Genomic context (GRCh38, chr1:9,264,096, plus strand): 5'-TTCAGTAGCGGCCGGTTGTTCTTTTCCCAGCAGCAGCCGGAGCAGCTGGTGCCAGGGCCA[G>C]GGCCGGCCCCAATGCCCAGTGACTTCCAGGTCCTCAGGGCCAAGTACCGAGAGAGCCCGC-3'
Protein context (NP_004276.2, residues 525-545): QQPEQLVPGP[Gly535Arg]PAPMPSDFQV

ClinVar aggregate classification (germline): Uncertain significance (1 of 4 stars; one submission).

Submission:

Labcorp Genetics (formerly Invitae), Labcorp
Classification: Uncertain significance. Last evaluated: 2025-08-18. Review status: criteria provided, single submitter. Criteria: Invitae Variant Classification Sherloc (09022015). Collection method: clinical testing. Allele origin: germline.
Comment: This sequence change replaces glycine, which is neutral and non-polar, with arginine, which is basic and polar, at codon 535 of the H6PD protein (p.Gly535Arg). This variant is not present in population databases (gnomAD no frequency). This variant has not been reported in the literature in individuals affected with H6PD-related conditions. ClinVar contains an entry for this variant (Variation ID: 3729153). Invitae Evidence Modeling of protein sequence and biophysical properties (such as structural, functional, and spatial information, amino acid conservation, physicochemical variation, residue mobility, and thermodynamic stability) indicates that this missense variant is not expected to disrupt H6PD protein function with a negative predictive value of 80%. In summary, the available evidence is currently insufficient to determine the role of this variant in disease. Therefore, it has been classified as a Variant of Uncertain Significance.